The following is an entry in ClinVar:

NM_030665.4(RAI1):c.725C>T (p.Pro242Leu)

Gene: RAI1 (retinoic acid induced 1; plus strand). Cytogenetic location: 17p11.2.
Variant type: single nucleotide variant.
Coding change: c.725C>T on transcript NM_030665.4 (MANE Select); coding-DNA position 725, C replaced by T.
Protein change: p.Pro242Leu; replaces proline 242 with leucine.
Molecular consequence: missense variant.
Genome position (GRCh38, 1-based): chr17:17,793,673, C>T. VCF-style: chr17-17793673-C-T. GRCh37 (hg19) VCF-style: chr17-17696987-C-T.
Other names: short protein forms P242L.
Identifiers: ClinVar variation 96196 (VCV000096196.56), dbSNP rs150563155, ClinGen allele CA149347.
Genomic context (GRCh38, chr17:17,793,673, plus strand): 5'-ACTCCTCCTCTGTCCAGGGTGGTGGGCAGGGGGCCCACTCCTATAAGAGTTGCACAGCAC[C>T]GACTGCCCAGCCCCATGACAGGCCGCTGACTGCCAGCTCCAGCCTGGCCCCGGGGCAGCG-3'
Protein context (NP_109590.3, residues 232-252): GAHSYKSCTA[Pro242Leu]TAQPHDRPLT

ClinVar aggregate classification (germline): Benign/Likely benign. Review status: criteria provided, multiple submitters, no conflicts (2 of 4 stars). 15 submissions from 15 submitters: Benign (7); Likely benign (4). 4 of the submissions do not count toward it. Last evaluated 2026-08-01.

Conditions:
RAI1-related disorder. Also called: RAI1-related condition.
Inborn genetic diseases. Identifiers: MedGen C0950123, MeSH D030342.
Smith-Magenis syndrome (SMS). Also called: CHROMOSOME 17p11.2 DELETION SYNDROME. Identifiers: Orphanet 819, MedGen C0795864, MONDO:0008434, OMIM 182290.

Allele frequency attached by ClinVar (database versions not stated): 1000 Genomes Project 30x 0.00156; ESP Exome Variant Server 0.00254; gnomAD 0.00233 and 0.00220; TOPMed 0.00280; ExAC 0.00296; 1000 Genomes Project 0.00160; gnomAD exomes 0.00209 and 0.00298.
gnomAD v4.1: 3,485 of 1,613,134 alleles (0.22%); highest among the groups gnomAD compares: Middle Eastern, 2.5%; 11 homozygotes.

Submissions (15):

CeGaT Center for Human Genetics Tuebingen
Classification: Likely benign. Last evaluated: 2026-08-01. Review status: criteria provided, single submitter. Criteria: CeGaT Center For Human Genetics Tuebingen Variant Classification Criteria Version 2. Collection method: clinical testing. Allele origin: germline. Affected: yes. Observed: 34 variant alleles.
Comment: RAI1: BS1

Labcorp Genetics (formerly Invitae), Labcorp
Classification: Benign. Last evaluated: 2026-02-02. Review status: criteria provided, single submitter. Criteria: Invitae Variant Classification Sherloc (09022015). Collection method: clinical testing. Allele origin: germline.

Blueprint Genetics
Classification: Likely benign. Last evaluated: 2024-11-22. Review status: criteria provided, single submitter. Criteria: ACMG Guidelines, 2015. Collection method: clinical testing. Allele origin: germline.

Fulgent Genetics
Classification: Likely benign for Smith-Magenis syndrome. Last evaluated: 2021-10-18. Review status: criteria provided, single submitter. Criteria: ACMG Guidelines, 2015. Collection method: clinical testing. Allele origin: unknown.

Athena Diagnostics
Classification: Benign. Last evaluated: 2019-07-01. Review status: criteria provided, single submitter. Criteria: Athena Diagnostics Criteria. Collection method: clinical testing. Allele origin: germline.

GeneDx
Classification: Benign. Last evaluated: 2018-10-17. Review status: criteria provided, single submitter. Criteria: GeneDx Variant Classification Process June 2021. Collection method: clinical testing. Allele origin: germline. Affected: yes.
Comment: This variant is associated with the following publications: (PMID: 21857958, 27884173)

Genetic Services Laboratory, University of Chicago
Classification: Benign. Last evaluated: 2017-07-25. Review status: criteria provided, single submitter. Criteria: ACMG Guidelines, 2015. Collection method: clinical testing. Allele origin: germline. Affected: no.

Center for Pediatric Genomic Medicine, Children's Mercy Hospital and Clinics
Classification: Benign. Last evaluated: 2017-06-16. Review status: criteria provided, single submitter. Criteria: ACMG Guidelines, 2015. Collection method: clinical testing. Allele origin: germline.

Ambry Genetics
Classification: Benign for Inborn genetic diseases. Last evaluated: 2016-05-17. Review status: criteria provided, single submitter. Criteria: Ambry Variant Classification Scheme 2023. Collection method: clinical testing. Allele origin: germline.

Eurofins Ntd Llc (ga)
Classification: Benign. Last evaluated: 2014-01-24. Review status: criteria provided, single submitter. Criteria: EGL Classification Definitions 2015. Collection method: clinical testing. Allele origin: germline. Observed: 5 variant alleles, 5 heterozygotes.

Breakthrough Genomics
Classification: Likely benign. Review status: criteria provided, single submitter. Criteria: ACMG Guidelines, 2015. Collection method: not provided. Allele origin: germline. Inheritance: Autosomal dominant inheritance. Affected: yes.

PreventionGenetics, part of Exact Sciences
Classification: Benign for RAI1-related condition. Last evaluated: 2021-03-04. Review status: no assertion criteria provided. Collection method: clinical testing. Allele origin: germline. Not counted in ClinVar's aggregate classification.
Comment: This variant is classified as benign based on ACMG/AMP sequence variant interpretation guidelines (Richards et al. 2015 PMID: 25741868, with internal and published modifications).

Clinical Genetics DNA and cytogenetics Diagnostics Lab, Erasmus MC, Erasmus Medical Center
Classification: Likely benign. Review status: no assertion criteria provided. Collection method: clinical testing. Allele origin: germline. Affected: yes. Study: VKGL Data-share Consensus. Not counted in ClinVar's aggregate classification.

Diagnostic Laboratory, Department of Genetics, University Medical Center Groningen
Classification: Likely benign. Review status: no assertion criteria provided. Collection method: clinical testing. Allele origin: germline. Affected: yes. Study: VKGL Data-share Consensus. Not counted in ClinVar's aggregate classification.

Laboratory of Diagnostic Genome Analysis, Leiden University Medical Center (LUMC)
Classification: Likely benign. Review status: no assertion criteria provided. Collection method: clinical testing. Allele origin: germline. Affected: yes. Study: VKGL Data-share Consensus. Not counted in ClinVar's aggregate classification.

Literature cited by the submitters: PubMed 21857958 (cited by Athena Diagnostics); PubMed 27884173 (cited by Athena Diagnostics).